The following is an entry in ClinVar:

ClinVar aggregate classification (germline): Likely pathogenic (1 of 4 stars; one submission).

Conditions:
Polycystic kidney disease 4 (PKD4). Also called: POLYCYSTIC KIDNEY AND HEPATIC DISEASE 1; POLYCYSTIC KIDNEY DISEASE, INFANTILE, TYPE I; POLYCYSTIC KIDNEY DISEASE 4 WITH OR WITHOUT POLYCYSTIC LIVER DISEASE; PKD3; Autosomal Recessive Polycystic Kidney Disease – PKHD1. Identifiers: MedGen C4540575, MONDO:0033004, OMIM 263200.

Submission:

Myriad Genetics, Inc.
Classification: Likely pathogenic for Polycystic kidney disease 4. Last evaluated: 2022-03-30. Review status: criteria provided, single submitter. Criteria: Myriad Women's Health Autosomal Recessive and X-Linked Classification Criteria (2021). Collection method: clinical testing. Allele origin: unknown.
Comment: NM_138694.3(PKHD1):c.4017_4018delGA(E1339Dfs*38) is expected to be pathogenic in the context of autosomal recessive polycystic kidney disease, PKHD1-related. This variant is predicted to lead to an abnormal or absent protein product due to the creation of a premature termination codon in PKHD1, a gene where loss-of-function variants are known to be pathogenic. Please note: this variant was assessed in the context of healthy population screening.

NM_138694.4(PKHD1):c.4017_4018del (p.Glu1339fs)

Gene: PKHD1 (PKHD1 ciliary IPT domain containing fibrocystin/polyductin; minus strand). Cytogenetic location: 6p12.2.
Variant type: Microsatellite.
Coding change: c.4017_4018del on transcript NM_138694.4 (MANE Select); coding-DNA positions 4017 to 4018, 2 bases deleted (GA; older notation c.4017_4018delGA).
Protein change: p.Glu1339fs; shifts the reading frame from glutamic acid 1339.
Molecular consequence: frameshift variant.
Genome position (GRCh38, 1-based): chr6:52,025,792-52,025,793, TC deleted on the plus strand (GA on the coding strand, the reverse complement: PKHD1 is on the minus strand); deleting any 2 consecutive bases within chr6:52,025,792-52,025,795 gives the same sequence; the c. name uses the placement nearest the transcript's 3' end. VCF-style (leftmost placement, unchanged base first): chr6-52025791-GTC-G. GRCh37 (hg19) VCF-style: chr6-51890589-GTC-G.
Other names: c.4017_4018del, p.Glu1339fs (NM_170724.3); short protein forms E1339fs.
Identifiers: ClinVar variation 1725659 (VCV001725659.2), dbSNP rs2532727691, ClinGen allele CA2580617258.